The following is an entry in ClinVar:

ClinVar aggregate classification (germline): Uncertain significance. Review status: criteria provided, multiple submitters, no conflicts (2 of 4 stars). 2 submissions from 2 submitters: Uncertain significance (2). Last evaluated 2023-07-13.

Conditions:
Hereditary cancer-predisposing syndrome. Also called: Hereditary Cancer Syndrome; Tumor predisposition; Hereditary neoplastic syndrome; Neoplastic Syndromes, Hereditary. Identifiers: Orphanet 140162, MedGen C0027672, MeSH D009386, MONDO:0015356.
Tuberous sclerosis 1 (TSC1). Identifiers: Orphanet 805, MedGen C1854465, MONDO:0008612, OMIM 191100.

Submissions (2):

Ambry Genetics
Classification: Uncertain significance for Hereditary cancer-predisposing syndrome. Last evaluated: 2023-07-13. Review status: criteria provided, single submitter. Criteria: Ambry Variant Classification Scheme 2023. Collection method: clinical testing. Allele origin: germline.
Comment: The p.D556Y variant (also known as c.1666G>T), located in coding exon 13 of the TSC1 gene, results from a G to T substitution at nucleotide position 1666. The aspartic acid at codon 556 is replaced by tyrosine, an amino acid with highly dissimilar properties. This amino acid position is conserved. In addition, the in silico prediction for this alteration is inconclusive. Since supporting evidence is limited at this time, the clinical significance of this alteration remains unclear.

Labcorp Genetics (formerly Invitae), Labcorp
Classification: Uncertain significance for Tuberous sclerosis 1. Last evaluated: 2022-02-02. Review status: criteria provided, single submitter. Criteria: Invitae Variant Classification Sherloc (09022015). Collection method: clinical testing. Allele origin: germline.
Comment: This sequence change replaces aspartic acid, which is acidic and polar, with tyrosine, which is neutral and polar, at codon 556 of the TSC1 protein (p.Asp556Tyr). This variant is not present in population databases (gnomAD no frequency). This variant has not been reported in the literature in individuals affected with TSC1-related conditions. Algorithms developed to predict the effect of missense changes on protein structure and function are either unavailable or do not agree on the potential impact of this missense change (SIFT: "Deleterious"; PolyPhen-2: "Possibly Damaging"; Align-GVGD: "Class C0"). In summary, the available evidence is currently insufficient to determine the role of this variant in disease. Therefore, it has been classified as a Variant of Uncertain Significance.

NM_000368.5(TSC1):c.1666G>T (p.Asp556Tyr)

Gene: TSC1 (TSC complex subunit 1; minus strand). Cytogenetic location: 9q34.13.
Variant type: single nucleotide variant.
Coding change: c.1666G>T on transcript NM_000368.5 (MANE Select); coding-DNA position 1666, G replaced by T.
Protein change: p.Asp556Tyr; replaces aspartic acid 556 with tyrosine.
Molecular consequence: missense variant.
Genome position (GRCh38, 1-based): chr9:132,905,912, C>A on the plus strand (G>T on the coding strand, the complement: TSC1 is on the minus strand). VCF-style: chr9-132905912-C-A. GRCh37 (hg19) VCF-style: chr9-135781299-C-A.
Other names: c.1663G>T, p.Asp555Tyr (NM_001162426.2, NM_001406597.1, NM_001406608.1 and 6 more transcripts); c.1513G>T, p.Asp505Tyr (NM_001162427.2, NM_001406610.1); c.1303G>T, p.Asp435Tyr (NM_001362177.2, NM_001406614.1, NM_001406615.1 and 5 more transcripts); c.1666G>T, p.Asp556Tyr (NM_001406592.1, NM_001406593.1, NM_001406594.1 and 7 more transcripts); c.1510G>T, p.Asp504Tyr (NM_001406611.1, NM_001406612.1, NM_001406613.1); c.712G>T, p.Asp238Tyr (NM_001406627.1, NM_001406628.1); c.613G>T, p.Asp205Tyr (NM_001406629.1, NM_001406630.1); c.1300G>T, p.Asp434Tyr (NM_001406620.1, NM_001406621.1, NM_001406622.1 and 2 more transcripts); and 1 more; short protein forms D239Y, D504Y, D505Y, D556Y, D238Y, D555Y, D205Y, D434Y.
Identifiers: ClinVar variation 1996545 (VCV001996545.6), dbSNP rs2131834180, ClinGen allele CA375364357.